The following is an entry in ClinVar:

NM_174878.3(CLRN1):c.83T>G (p.Leu28Trp)

Gene: CLRN1 (clarin 1; minus strand). Cytogenetic location: 3q25.1.
Variant type: single nucleotide variant.
Coding change: c.83T>G on transcript NM_174878.3 (MANE Select); coding-DNA position 83, T replaced by G.
Protein change: p.Leu28Trp; replaces leucine 28 with tryptophan.
Molecular consequence: missense variant. On other transcripts: non-coding transcript variant (1).
Genome position (GRCh38, 1-based): chr3:150,972,626, A>C on the plus strand (T>G on the coding strand, the complement: CLRN1 is on the minus strand). VCF-style: chr3-150972626-A-C. GRCh37 (hg19) VCF-style: chr3-150690413-A-C.
Other names: c.83T>G, p.Leu28Trp (NM_001195794.1, NM_001256819.2); short protein forms L28W.
Identifiers: ClinVar variation 1431250 (VCV001431250.4), dbSNP rs367559197, ClinGen allele CA85947816.

ClinVar aggregate classification (germline): Uncertain significance. Review status: criteria provided, multiple submitters, no conflicts (2 of 4 stars). 2 submissions from 2 submitters: Uncertain significance (2). Last evaluated 2022-06-05.

Allele frequency attached by ClinVar (database versions not stated): gnomAD exomes below 0.00001; gnomAD 0.00003; ESP Exome Variant Server 0.00008.

Submissions (2):

Labcorp Genetics (formerly Invitae), Labcorp
Classification: Uncertain significance. Last evaluated: 2022-06-05. Review status: criteria provided, single submitter. Criteria: Invitae Variant Classification Sherloc (09022015). Collection method: clinical testing. Allele origin: germline.
Comment: This sequence change replaces leucine, which is neutral and non-polar, with tryptophan, which is neutral and slightly polar, at codon 28 of the CLRN1 protein (p.Leu28Trp). This variant is present in population databases (rs367559197, gnomAD 0.003%). This variant has not been reported in the literature in individuals affected with CLRN1-related conditions. ClinVar contains an entry for this variant (Variation ID: 1431250). Algorithms developed to predict the effect of missense changes on protein structure and function are either unavailable or do not agree on the potential impact of this missense change (SIFT: "Deleterious"; PolyPhen-2: "Probably Damaging"; Align-GVGD: "Class C0"). In summary, the available evidence is currently insufficient to determine the role of this variant in disease. Therefore, it has been classified as a Variant of Uncertain Significance.

Blueprint Genetics
Classification: Uncertain significance. Last evaluated: 2022-03-16. Review status: criteria provided, single submitter. Criteria: ACMG Guidelines, 2015. Collection method: clinical testing. Allele origin: germline.